The following is an entry in ClinVar:

NM_000179.3(MSH6):c.2759dup (p.Ala921fs)

Gene: MSH6 (mutS homolog 6; plus strand). Cytogenetic location: 2p16.3.
Variant type: Duplication.
Coding change: c.2759dup on transcript NM_000179.3 (MANE Select); coding-DNA position 2759, one base duplicated (A; older notation c.2759dupA).
Protein change: p.Ala921fs; shifts the reading frame from alanine 921.
Molecular consequence: frameshift variant.
Genome position (GRCh38, 1-based): chr2:47,800,742, A duplicated; the last of 4 consecutive A bases (chr2:47,800,739-47,800,742); duplicating any one gives the same sequence. VCF-style (leftmost placement, unchanged base first): chr2-47800738-G-GA. GRCh37 (hg19) VCF-style: chr2-48027877-G-GA.
Other names: c.2369dup, p.Ala791fs (NM_001281492.2); c.1853dup, p.Ala619fs (NM_001281493.2, NM_001281494.2); c.2759dupA (NM_000179.2); short protein forms A921fs, A619fs, A791fs.
Identifiers: ClinVar variation 663700 (VCV000663700.10), dbSNP rs1114167794, ClinGen allele CA915943934.

ClinVar aggregate classification (germline): Pathogenic. Review status: criteria provided, multiple submitters, no conflicts (2 of 4 stars). 4 submissions from 4 submitters: Pathogenic (4). Last evaluated 2024-09-23.

Conditions:
Hereditary nonpolyposis colorectal neoplasms. Identifiers: MedGen C0009405, MeSH D003123.
Hereditary cancer-predisposing syndrome. Also called: Neoplastic Syndromes, Hereditary; Tumor predisposition; Hereditary neoplastic syndrome; Hereditary Cancer Syndrome. Identifiers: Orphanet 140162, MedGen C0027672, MeSH D009386, MONDO:0015356.
Lynch syndrome 5 (LYNCH5). Also called: Hereditary non-polyposis colorectal cancer, type 5; Colorectal cancer, hereditary nonpolyposis, type 5. Identifiers: Orphanet 144, MedGen C1833477, MONDO:0013710, OMIM 614350. Disease mechanism: loss of function.

Submissions (4):

Color Diagnostics, LLC DBA Color Health
Classification: Pathogenic for Hereditary cancer-predisposing syndrome. Last evaluated: 2024-09-23. Review status: criteria provided, single submitter. Criteria: ACMG Guidelines, 2015. Collection method: clinical testing. Allele origin: germline.
Comment: This variant inserts 1 nucleotide in exon 4 of the MSH6 gene, creating a frameshift and premature translation stop signal. This variant is expected to result in an absent or non-functional protein product. To our knowledge, this variant has not been reported in individuals affected with MSH6-related disorders in the literature. This variant has not been identified in the general population by the Genome Aggregation Database (gnomAD). Loss of MSH6 function is a known mechanism of disease. Based on the available evidence, this variant is classified as Pathogenic.

Ambry Genetics
Classification: Pathogenic for Hereditary cancer-predisposing syndrome. Last evaluated: 2024-08-05. Review status: criteria provided, single submitter. Criteria: Ambry Variant Classification Scheme 2023. Collection method: clinical testing. Allele origin: germline.
Comment: The c.2759dupA pathogenic mutation, located in coding exon 4 of the MSH6 gene, results from a duplication of A at nucleotide position 2759, causing a translational frameshift with a predicted alternate stop codon (p.A921Gfs*14). This variant is considered to be rare based on population cohorts in the Genome Aggregation Database (gnomAD). This alteration is expected to result in loss of function by premature protein truncation or nonsense-mediated mRNA decay. As such, this alteration is interpreted as a disease-causing mutation.

Myriad Genetics, Inc.
Classification: Pathogenic for Lynch syndrome 5. Last evaluated: 2023-08-18. Review status: criteria provided, single submitter. Criteria: Myriad Autosomal Dominant, Autosomal Recessive and X-Linked Classification Criteria (2023). Collection method: clinical testing. Allele origin: unknown.
Comment: This variant is considered pathogenic. This variant creates a frameshift predicted to result in premature protein truncation.

Labcorp Genetics (formerly Invitae), Labcorp
Classification: Pathogenic for Hereditary nonpolyposis colorectal neoplasms. Last evaluated: 2018-09-15. Review status: criteria provided, single submitter. Criteria: Invitae Variant Classification Sherloc (09022015). Collection method: clinical testing. Allele origin: germline.
Comment: This sequence change creates a premature translational stop signal (p.Ala921Glyfs*14) in the MSH6 gene. It is expected to result in an absent or disrupted protein product. This variant is not present in population databases (ExAC no frequency). This variant has not been reported in the literature in individuals with MSH6-related disease. Loss-of-function variants in MSH6 are known to be pathogenic (PMID: 18269114, 24362816). For these reasons, this variant has been classified as Pathogenic.

Literature cited by the submitters: PubMed 18269114 (cited by Labcorp Genetics (formerly Invitae), Labcorp); PubMed 24362816 (cited by Labcorp Genetics (formerly Invitae), Labcorp).